The following is an entry in ClinVar:

ClinVar aggregate classification (germline): Uncertain significance (1 of 4 stars; one submission).

Conditions:
Cardiovascular phenotype. Identifiers: MedGen CN230736.

gnomAD v4.1: 2 of 1,613,980 alleles (0.00012%); highest among the groups gnomAD compares: Non-Finnish European, 0.00017%; no homozygotes.

Submission:

Ambry Genetics
Classification: Uncertain significance for Cardiovascular phenotype. Last evaluated: 2026-04-09. Review status: criteria provided, single submitter. Criteria: Ambry Variant Classification Scheme 2023. Collection method: clinical testing. Allele origin: germline.
Comment: The p.D2967H variant (also known as c.8899G>C), located in coding exon 36 of the AKAP9 gene, results from a G to C substitution at nucleotide position 8899. The aspartic acid at codon 2967 is replaced by histidine, an amino acid with similar properties. This amino acid position is conserved. In addition, this alteration is predicted to be tolerated by in silico analysis. Based on the available evidence, the clinical significance of this variant remains unclear.

NM_005751.5(AKAP9):c.8899G>C (p.Asp2967His)

Gene: AKAP9 (A-kinase anchoring protein 9; plus strand). Cytogenetic location: 7q21.2.
Variant type: single nucleotide variant.
Coding change: c.8899G>C on transcript NM_005751.5 (MANE Select); coding-DNA position 8899, G replaced by C.
Protein change: p.Asp2967His; replaces aspartic acid 2967 with histidine.
Molecular consequence: missense variant.
Genome position (GRCh38, 1-based): chr7:92,085,561, G>C. VCF-style: chr7-92085561-G-C. GRCh37 (hg19) VCF-style: chr7-91714875-G-C.
Other names: c.3544G>C, p.Asp1182His (NM_001379277.1); c.8875G>C, p.Asp2959His (NM_147185.3); short protein forms D1182H, D2959H, D2967H.
Identifiers: ClinVar variation 4868803 (VCV004868803.1).